The following is an entry in ClinVar:

NM_003907.3(EIF2B5):c.1937T>C (p.Leu646Ser)

Gene: EIF2B5 (eukaryotic translation initiation factor 2B subunit epsilon; plus strand). Cytogenetic location: 3q27.1.
Variant type: single nucleotide variant.
Coding change: c.1937T>C on transcript NM_003907.3 (MANE Select); coding-DNA position 1937, T replaced by C.
Protein change: p.Leu646Ser; replaces leucine 646 with serine.
Molecular consequence: missense variant.
Genome position (GRCh38, 1-based): chr3:184,144,166, T>C. VCF-style: chr3-184144166-T-C. GRCh37 (hg19) VCF-style: chr3-183861954-T-C.
Other names: short protein forms L646S.
Identifiers: ClinVar variation 2444417 (VCV002444417.1), dbSNP rs2473672870, ClinGen allele CA355394459.

ClinVar aggregate classification (germline): Uncertain significance (1 of 4 stars; one submission).

Conditions:
Vanishing white matter disease. Also called: CACH syndrome; Childhood ataxia with diffuse central nervous system hypomyelination; Leukoencephalopathy with vanishing white matter; CACH/VWM syndrome; Cree leukoencehalopathy. Identifiers: Orphanet 135, Orphanet 99853, MedGen C1858991, MONDO:0800448.

Allele frequency attached by ClinVar (database versions not stated): gnomAD exomes below 0.00001.
gnomAD v4.1: 1 of 1,614,242 alleles (0.000062%); highest among the groups gnomAD compares: Non-Finnish European, 0.000085%; no homozygotes.

Submission:

3billion
Classification: Uncertain significance for Leukoencephalopathy with vanishing white matter 1. Last evaluated: 2023-02-23. Review status: criteria provided, single submitter. Criteria: ACMG Guidelines, 2015. Collection method: clinical testing. Allele origin: unknown. Affected: yes.
Comment: The variant is not observed in the gnomAD v2.1.1 dataset. Missense changes are a common disease-causing mechanism. In silico tool predictions suggest damaging effect of the variant on gene or gene product (REVEL: 0.93). Therefore, this variant is classified as VUS according to the recommendation of ACMG/AMP guideline.